The following is an entry in ClinVar:

NM_020937.4(FANCM):c.3295C>T (p.Arg1099Cys)

Gene: FANCM (FA complementation group M; plus strand). Cytogenetic location: 14q21.2.
Variant type: single nucleotide variant.
Coding change: c.3295C>T on transcript NM_020937.4 (MANE Select); coding-DNA position 3295, C replaced by T.
Protein change: p.Arg1099Cys; replaces arginine 1099 with cysteine.
Molecular consequence: missense variant.
Genome position (GRCh38, 1-based): chr14:45,176,049, C>T. VCF-style: chr14-45176049-C-T. GRCh37 (hg19) VCF-style: chr14-45645252-C-T.
Other names: c.3217C>T, p.Arg1073Cys (NM_001308133.2); short protein forms R1099C, R1073C.
Identifiers: ClinVar variation 1409333 (VCV001409333.3), dbSNP rs767815301, ClinGen allele CA7169491.

ClinVar aggregate classification (germline): Uncertain significance (1 of 4 stars; one submission).

Conditions:
Fanconi anemia (FA). Also called: Fanconi's anemia. Identifiers: Orphanet 84, MedGen C0015625, MeSH D005199, MONDO:0019391.

Allele frequency attached by ClinVar (database versions not stated): ExAC 0.00001; gnomAD exomes 0.00001.
gnomAD v4.1: 5 of 1,613,928 alleles (0.00031%); highest among the groups gnomAD compares: South Asian, 0.0033%; no homozygotes.

Submission:

Labcorp Genetics (formerly Invitae), Labcorp
Classification: Uncertain significance for Fanconi anemia. Last evaluated: 2021-08-17. Review status: criteria provided, single submitter. Criteria: Invitae Variant Classification Sherloc (09022015). Collection method: clinical testing. Allele origin: germline.
Comment: This sequence change replaces arginine with cysteine at codon 1099 of the FANCM protein (p.Arg1099Cys). The arginine residue is weakly conserved and there is a large physicochemical difference between arginine and cysteine. This variant is present in population databases (rs767815301, ExAC 0.006%). This variant has not been reported in the literature in individuals affected with FANCM-related conditions. Algorithms developed to predict the effect of missense changes on protein structure and function (SIFT, PolyPhen-2, Align-GVGD) all suggest that this variant is likely to be tolerated. In summary, the available evidence is currently insufficient to determine the role of this variant in disease. Therefore, it has been classified as a Variant of Uncertain Significance.